The following is an entry in ClinVar:

NM_002691.4(POLD1):c.1931del (p.Asp644fs)

Gene: POLD1 (DNA polymerase delta 1, catalytic subunit; plus strand). Cytogenetic location: 19q13.33.
Variant type: Deletion.
Coding change: c.1931del on transcript NM_002691.4 (MANE Select); coding-DNA position 1931, one base deleted (A; older notation c.1931delA).
Protein change: p.Asp644fs; shifts the reading frame from aspartic acid 644.
Molecular consequence: frameshift variant. On other transcripts: non-coding transcript variant (1).
Genome position (GRCh38, 1-based): chr19:50,409,160, A deleted. VCF-style (leftmost placement, unchanged base first): chr19-50409159-GA-G. GRCh37 (hg19) VCF-style: chr19-50912416-GA-G.
Other names: c.1931del, p.Asp644fs (NM_001256849.1); c.2009del, p.Asp670fs (NM_001308632.1); short protein forms D670fs, D644fs.
Identifiers: ClinVar variation 820313 (VCV000820313.9), dbSNP rs1601226563, ClinGen allele CA915951947.

ClinVar aggregate classification (germline): Uncertain significance. Review status: criteria provided, multiple submitters, no conflicts (2 of 4 stars). 2 submissions from 2 submitters: Uncertain significance (2). Last evaluated 2022-10-26.

Conditions:
POLD1-related polyposis and colorectal cancer syndrome (CRCS10). Also called: Colorectal cancer, susceptibility to, 10; Colorectal cancer 10; COLORECTAL CANCER, SUSCEPTIBILITY TO, ON CHROMOSOME 19q. Identifiers: Orphanet 220460, MedGen C2675481, MONDO:0012953, OMIM 612591.
Hereditary cancer-predisposing syndrome. Also called: Hereditary Cancer Syndrome; Hereditary neoplastic syndrome; Neoplastic Syndromes, Hereditary; Tumor predisposition. Identifiers: Orphanet 140162, MedGen C0027672, MeSH D009386, MONDO:0015356.

Submissions (2):

Labcorp Genetics (formerly Invitae), Labcorp
Classification: Uncertain significance for POLD1-related polyposis and colorectal cancer syndrome. Last evaluated: 2022-10-26. Review status: criteria provided, single submitter. Criteria: Invitae Variant Classification Sherloc (09022015). Collection method: clinical testing. Allele origin: germline.
Comment: This sequence change creates a premature translational stop signal (p.Asp644Alafs*4) in the POLD1 gene. Missense variants that disrupt the 3'-5' exonuclease (proof-reading) activity of the POLD1 protein are associated with PPAP (polymerase proofreading–associated polyposis) (PMID: 23263490, 23447401). However, loss-of-function variants that result in an absent or severely disrupted POLD1 protein, and missense variants outside the exonuclease domain, are unlikely to be associated with PPAP. This variant is not present in population databases (gnomAD no frequency). This variant has not been reported in the literature in individuals affected with POLD1-related conditions. ClinVar contains an entry for this variant (Variation ID: 820313). In summary, the available evidence is currently insufficient to determine the role of this variant in disease. Therefore, it has been classified as a Variant of Uncertain Significance.

Ambry Genetics
Classification: Uncertain significance for Hereditary cancer-predisposing syndrome. Last evaluated: 2019-08-12. Review status: criteria provided, single submitter. Criteria: Ambry Variant Classification Scheme 2023. Collection method: clinical testing. Allele origin: germline.
Comment: The c.1931delA variant, located in coding exon 15 of the POLD1 gene, results from a deletion of one nucleotide at nucleotide position 1931, causing a translational frameshift with a predicted alternate stop codon (p.D644Afs*4). This alteration is expected to result in loss of function by premature protein truncation or nonsense-mediated mRNA decay. However, loss of function via haploinsufficiency in POLD1 has not been clearly established as a mechanism of disease. Since supporting evidence is limited at this time, the clinical significance of this alteration remains unclear.

Literature cited by the submitters: PubMed 23263490 (cited by Labcorp Genetics (formerly Invitae), Labcorp); PubMed 23447401 (cited by Labcorp Genetics (formerly Invitae), Labcorp).